The following is an entry in ClinVar:

ClinVar aggregate classification (germline): Uncertain significance (1 of 4 stars; one submission).

Allele frequency attached by ClinVar (database versions not stated): gnomAD exomes below 0.00001.
gnomAD v4.1: 1 of 1,614,200 alleles (0.000062%); highest among the groups gnomAD compares: Non-Finnish European, 0.000085%; no homozygotes.

Submission:

CeGaT Center for Human Genetics Tuebingen
Classification: Uncertain significance. Last evaluated: 2024-02-01. Review status: criteria provided, single submitter. Criteria: CeGaT Center For Human Genetics Tuebingen Variant Classification Criteria Version 2. Collection method: clinical testing. Allele origin: germline. Affected: yes. Observed: 1 variant allele.
Comment: TCF7L2: PM2, PP2

NM_001367943.1(TCF7L2):c.940A>G (p.Ile314Val)

Gene: TCF7L2 (transcription factor 7 like 2; plus strand). Cytogenetic location: 10q25.3.
Variant type: single nucleotide variant.
Coding change: c.940A>G on transcript NM_001367943.1 (MANE Select); coding-DNA position 940, A replaced by G.
Protein change: p.Ile314Val; replaces isoleucine 314 with valine.
Molecular consequence: missense variant.
Genome position (GRCh38, 1-based): chr10:113,151,062, A>G. VCF-style: chr10-113151062-A-G. GRCh37 (hg19) VCF-style: chr10-114910821-A-G.
Other names: c.940A>G, p.Ile314Val (NM_001146274.2, NM_001198531.2, NM_001363501.2); c.1012A>G, p.Ile338Val (NM_001146283.2); c.859A>G, p.Ile287Val (NM_001146284.2, NM_001198527.2); c.871A>G, p.Ile291Val (NM_001146285.2, NM_001146286.2, NM_001198526.2 and 3 more transcripts); c.886A>G, p.Ile296Val (NM_001198525.2); c.769A>G, p.Ile257Val (NM_001198530.2); c.511A>G, p.Ile171Val (NM_001349870.2); c.391A>G, p.Ile131Val (NM_001349871.1); short protein forms I131V, I171V, I257V, I287V, I291V, I296V, I314V, I338V.
Identifiers: ClinVar variation 3026266 (VCV003026266.22), dbSNP rs2544318113, ClinGen allele CA378408552.